The following is an entry in ClinVar:

NM_016616.5(NME8):c.1295A>G (p.Tyr432Cys)

Gene: NME8 (NME/NM23 family member 8; plus strand). Cytogenetic location: 7p14.1.
Variant type: single nucleotide variant.
Coding change: c.1295A>G on transcript NM_016616.5 (MANE Select); coding-DNA position 1295, A replaced by G.
Protein change: p.Tyr432Cys; replaces tyrosine 432 with cysteine.
Molecular consequence: missense variant.
Genome position (GRCh38, 1-based): chr7:37,888,324, A>G. VCF-style: chr7-37888324-A-G. GRCh37 (hg19) VCF-style: chr7-37927926-A-G.
Other names: short protein forms Y432C.
Identifiers: ClinVar variation 861776 (VCV000861776.9), dbSNP rs1785074705, ClinGen allele CA367216245.

ClinVar aggregate classification (germline): Uncertain significance (1 of 4 stars; one submission).

Conditions:
Primary ciliary dyskinesia 6. Also called: Primary Ciliary Dyskinesia 6: TXNDC3-Related Primary Ciliary Dyskinesia. Identifiers: Orphanet 244, MedGen C1970506, MONDO:0012571, OMIM 610852.

Allele frequency attached by ClinVar (database versions not stated): gnomAD exomes below 0.00001.
gnomAD v4.1: 4 of 1,613,558 alleles (0.00025%); highest among the groups gnomAD compares: Non-Finnish European, 0.00034%; no homozygotes.

Submission:

Labcorp Genetics (formerly Invitae), Labcorp
Classification: Uncertain significance for Primary ciliary dyskinesia 6. Last evaluated: 2019-03-25. Review status: criteria provided, single submitter. Criteria: Invitae Variant Classification Sherloc (09022015). Collection method: clinical testing. Allele origin: germline.
Comment: This sequence change replaces tyrosine with cysteine at codon 432 of the NME8 protein (p.Tyr432Cys). The tyrosine residue is moderately conserved and there is a large physicochemical difference between tyrosine and cysteine. This variant is not present in population databases (ExAC no frequency). This variant has not been reported in the literature in individuals with NME8-related conditions. Algorithms developed to predict the effect of missense changes on protein structure and function are either unavailable or do not agree on the potential impact of this missense change (SIFT: "Deleterious"; PolyPhen-2: "Probably Damaging"; Align-GVGD: "Class C0"). In summary, the available evidence is currently insufficient to determine the role of this variant in disease. Therefore, it has been classified as a Variant of Uncertain Significance.